The following is an entry in ClinVar:

ClinVar aggregate classification (germline): Uncertain significance (1 of 4 stars; one submission).

Conditions:
Familial focal epilepsy with variable foci (FPEVF). Identifiers: Orphanet 98820, MedGen C1858477, MONDO:0020310.

gnomAD v4.1: 2 of 1,613,936 alleles (0.00012%); highest among the groups gnomAD compares: Non-Finnish European, 0.00017%; no homozygotes.

Submission:

Labcorp Genetics (formerly Invitae), Labcorp
Classification: Uncertain significance for Familial focal epilepsy with variable foci. Last evaluated: 2023-12-19. Review status: criteria provided, single submitter. Criteria: Invitae Variant Classification Sherloc (09022015). Collection method: clinical testing. Allele origin: germline.
Comment: This sequence change replaces arginine, which is basic and polar, with leucine, which is neutral and non-polar, at codon 912 of the DEPDC5 protein (p.Arg912Leu). This variant is not present in population databases (gnomAD no frequency). This variant has not been reported in the literature in individuals affected with DEPDC5-related conditions. Experimental studies and prediction algorithms are not available or were not evaluated, and the functional significance of this variant is currently unknown. In summary, the available evidence is currently insufficient to determine the role of this variant in disease. Therefore, it has been classified as a Variant of Uncertain Significance.

NM_001242896.3(DEPDC5):c.2735G>T (p.Arg912Leu)

Gene: DEPDC5 (DEP domain containing 5, GATOR1 subcomplex subunit; plus strand). Cytogenetic location: 22q12.3.
Variant type: single nucleotide variant.
Coding change: c.2735G>T on transcript NM_001242896.3 (MANE Select); coding-DNA position 2735, G replaced by T.
Protein change: p.Arg912Leu; replaces arginine 912 with leucine.
Molecular consequence: missense variant. On other transcripts: non-coding transcript variant (5).
Genome position (GRCh38, 1-based): chr22:31,843,746, G>T. VCF-style: chr22-31843746-G-T. GRCh37 (hg19) VCF-style: chr22-32239732-G-T.
Other names: c.2708G>T, p.Arg903Leu (NM_001136029.4, NM_001369903.1, NM_014662.6); c.2501G>T, p.Arg834Leu (NM_001242897.2, NM_001363854.2, NM_001364319.2); c.2735G>T, p.Arg912Leu (NM_001363852.2, NM_001364318.2, NM_001364320.2); c.2651G>T, p.Arg884Leu (NM_001369901.1, NM_001369902.1); short protein forms R912L, R884L, R903L, R834L.
Identifiers: ClinVar variation 2704112 (VCV002704112.3), dbSNP rs781159677, ClinGen allele CA411289969.